The following is an entry in ClinVar:

ClinVar aggregate classification (germline): Uncertain significance. Review status: criteria provided, multiple submitters, no conflicts (2 of 4 stars). 2 submissions from 2 submitters: Uncertain significance (2). Last evaluated 2025-10-03.

Conditions:
Fanconi anemia (FA). Also called: Fanconi's anemia. Identifiers: Orphanet 84, MedGen C0015625, MeSH D005199, MONDO:0019391.
Inborn genetic diseases. Identifiers: MedGen C0950123, MeSH D030342.

Allele frequency attached by ClinVar (database versions not stated): gnomAD exomes below 0.00001; ExAC 0.00001; gnomAD 0.00001; TOPMed 0.00001.
gnomAD v4.1: 4 of 1,612,740 alleles (0.00025%); highest among the groups gnomAD compares: South Asian, 0.0033%; no homozygotes.

Submissions (2):

Ambry Genetics
Classification: Uncertain significance for Inborn genetic diseases. Last evaluated: 2025-10-03. Review status: criteria provided, single submitter. Criteria: Ambry Variant Classification Scheme 2023. Collection method: clinical testing. Allele origin: germline.
Comment: The p.M480T variant (also known as c.1439T>C), located in coding exon 9 of the FANCM gene, results from a T to C substitution at nucleotide position 1439. The methionine at codon 480 is replaced by threonine, an amino acid with similar properties. This amino acid position is conserved. In addition, the in silico prediction for this alteration is inconclusive. Based on the available evidence, the clinical significance of this variant remains unclear.

Labcorp Genetics (formerly Invitae), Labcorp
Classification: Uncertain significance for Fanconi anemia. Last evaluated: 2023-08-18. Review status: criteria provided, single submitter. Criteria: Invitae Variant Classification Sherloc (09022015). Collection method: clinical testing. Allele origin: germline.
Comment: In summary, the available evidence is currently insufficient to determine the role of this variant in disease. Therefore, it has been classified as a Variant of Uncertain Significance. An algorithm developed to predict the effect of missense changes on protein structure and function (PolyPhen-2) suggests that this variant is likely to be disruptive. ClinVar contains an entry for this variant (Variation ID: 1059954). This variant has not been reported in the literature in individuals affected with FANCM-related conditions. This variant is present in population databases (rs776804525, gnomAD 0.004%). This sequence change replaces methionine, which is neutral and non-polar, with threonine, which is neutral and polar, at codon 480 of the FANCM protein (p.Met480Thr).

NM_020937.4(FANCM):c.1439T>C (p.Met480Thr)

Gene: FANCM (FA complementation group M; plus strand). Cytogenetic location: 14q21.2.
Variant type: single nucleotide variant.
Coding change: c.1439T>C on transcript NM_020937.4 (MANE Select); coding-DNA position 1439, T replaced by C.
Protein change: p.Met480Thr; replaces methionine 480 with threonine.
Molecular consequence: missense variant.
Genome position (GRCh38, 1-based): chr14:45,159,138, T>C. VCF-style: chr14-45159138-T-C. GRCh37 (hg19) VCF-style: chr14-45628341-T-C.
Other names: c.1361T>C, p.Met454Thr (NM_001308133.2); c.1439T>C, p.Met480Thr (NM_001308134.2); c.1439T>C (NM_020937.2); short protein forms M454T, M480T.
Identifiers: ClinVar variation 1059954 (VCV001059954.10), dbSNP rs776804525, ClinGen allele CA7169054.